The following is an entry in ClinVar:

NM_000503.6(EYA1):c.1140+1G>T

Gene: EYA1 (EYA transcriptional coactivator and phosphatase 1; minus strand). Cytogenetic location: 8q13.3.
Variant type: single nucleotide variant.
Coding change: c.1140+1G>T on transcript NM_000503.6 (MANE Select); the canonical splice donor site of the intron after coding-DNA position 1140, G replaced by T.
Molecular consequence: splice donor variant. On other transcripts: intron variant (2).
Genome position (GRCh38, 1-based): chr8:71,244,602, C>A on the plus strand (G>T on the coding strand, the complement: EYA1 is on the minus strand). VCF-style: chr8-71244602-C-A. GRCh37 (hg19) VCF-style: chr8-72156837-C-A.
Other names: c.1119+25138G>T (NM_001370336.1); c.1227+1G>T (NM_001370333.1); c.1140+1G>T (NM_001370335.1, NM_001370334.1, NM_172058.4); c.1122+25138G>T (NM_172059.5); c.1041+1G>T (NM_001411797.1, NM_172060.4); c.774+1G>T (NM_001288575.2); c.1122+1G>T (NM_001288574.2).
Identifiers: ClinVar variation 952495 (VCV000952495.8), dbSNP rs1812855196, ClinGen allele CA371467508.
Genomic context (GRCh38, chr8:71,244,602, plus strand): 5'-TTTTAAAACCAATCACCTATTTTCAGACATGCAAAAATATGTATTAAAAATTAGAACTTA[C>A]TTCTAAGTCATTAAAAAATAAATGTGTGTCTGCCAAGTTGAAAATCATTTCTTCCATTCG-3'

ClinVar aggregate classification (germline): Pathogenic (1 of 4 stars; one submission).

Conditions:
Melnick-Fraser syndrome (BOR). Also called: Branchio-oto-renal syndrome; Branchiootorenal Syndrome (BORS); Branchiootorenal syndrome. Identifiers: Orphanet 107, MedGen C0265234, MONDO:0007029.

Allele frequency attached by ClinVar (database versions not stated): gnomAD exomes below 0.00001.
gnomAD v4.1: 1 of 1,540,610 alleles (0.000065%); highest among the groups gnomAD compares: South Asian, 0.0011%; no homozygotes.

Submission:

Labcorp Genetics (formerly Invitae), Labcorp
Classification: Pathogenic for Melnick-Fraser syndrome. Last evaluated: 2019-08-02. Review status: criteria provided, single submitter. Criteria: Invitae Variant Classification Sherloc (09022015). Collection method: clinical testing. Allele origin: germline.
Comment: Disruption of this splice site has been observed in individual(s) affected with branchio-oto-renal syndrome (PMID: 10991693, 23840632). This variant is also known as 1041+1G>T in the literature. This variant is not present in population databases (ExAC no frequency). For these reasons, this variant has been classified as Pathogenic. Donor and acceptor splice site variants typically lead to a loss of protein function (PMID: 16199547), and loss-of-function variants in EYA1 are known to be pathogenic (PMID: 18220287, 10464653). Experimental studies have shown that disrpution of this splice site affects mRNA splicing (PMID:23840632). This sequence change affects a donor splice site in intron 12 of the EYA1 gene. It is expected to disrupt RNA splicing and likely results in an absent or disrupted protein product.

Literature cited by the submitters: PubMed 10991693; PubMed 23840632; PubMed 16199547; PubMed 18220287; PubMed 10464653.